The following is an entry in ClinVar:

ClinVar aggregate classification (germline): Likely pathogenic (1 of 4 stars; one submission).

Conditions:
Congenital myasthenic syndrome 5. Identifiers: Orphanet 590, MedGen C1864233, MONDO:0011281, OMIM 603034.

Submission:

Labcorp Genetics (formerly Invitae), Labcorp
Classification: Likely pathogenic for Congenital myasthenic syndrome 5. Last evaluated: 2025-12-09. Review status: criteria provided, single submitter. Criteria: Invitae Variant Classification Sherloc (09022015). Collection method: clinical testing. Allele origin: germline.
Comment: This sequence change affects a splice site in intron 6 of the COLQ gene. It is expected to disrupt RNA splicing. Variants that disrupt the donor or acceptor splice site typically lead to a loss of protein function (PMID: 16199547), and loss-of-function variants in COLQ are known to be pathogenic (PMID: 22678886). This variant is not present in population databases (gnomAD no frequency). This variant has not been reported in the literature in individuals affected with COLQ-related conditions. Algorithms developed to predict the effect of sequence changes on RNA splicing suggest that this variant may disrupt the consensus splice site. In summary, the currently available evidence indicates that the variant is pathogenic, but additional data are needed to prove that conclusively. Therefore, this variant has been classified as Likely Pathogenic.

Literature cited by the submitters: PubMed 16199547; PubMed 22678886.

NM_005677.4(COLQ):c.465+1_465+10del

Gene: COLQ (collagen like tail subunit of asymmetric acetylcholinesterase; minus strand). Cytogenetic location: 3p25.1.
Variant type: Deletion.
Coding change: c.465+1_465+10del on transcript NM_005677.4 (MANE Select); the canonical splice donor site of the intron after coding-DNA position 465 through 10 bases into the intron after coding-DNA position 465, 10 bases deleted (GTAAGTGTGG; older notation c.465+1_465+10delGTAAGTGTGG).
Molecular consequence: splice donor variant.
Genome position (GRCh38, 1-based): chr3:15,477,116-15,477,125, CCACACTTAC deleted on the plus strand (GTAAGTGTGG on the coding strand, the reverse complement: COLQ is on the minus strand); deleting any 10 consecutive bases within chr3:15,477,116-15,477,127 gives the same sequence; the c. name uses the placement nearest the transcript's 3' end. VCF-style (leftmost placement, unchanged base first): chr3-15477115-GCCACACTTAC-G. GRCh37 (hg19) VCF-style: chr3-15518622-GCCACACTTAC-G.
Other names: c.363+1_363+10del (NM_080539.4); c.435+1_435+10del (NM_080538.2).
Identifiers: ClinVar variation 4732408 (VCV004732408.1).